The following is an entry in ClinVar:

NM_172366.4(FBXO16):c.267A>G (p.Thr89=)

Gene: FBXO16 (F-box protein 16; minus strand). Cytogenetic location: 8p21.1.
Variant type: single nucleotide variant.
Coding change: c.267A>G on transcript NM_172366.4 (MANE Select); coding-DNA position 267, A replaced by G.
Protein change: p.Thr89=; no amino-acid change (threonine 89 retained).
Molecular consequence: synonymous variant.
Genome position (GRCh38, 1-based): chr8:28,463,687, T>C on the plus strand (A>G on the coding strand, the complement: FBXO16 is on the minus strand). VCF-style: chr8-28463687-T-C. GRCh37 (hg19) VCF-style: chr8-28321204-T-C.
Other names: c.231A>G, p.Thr77= (NM_001258211.2).
Identifiers: ClinVar variation 3234302 (VCV003234302.20), dbSNP rs1460593586, ClinGen allele CA460068356.
Genomic context (GRCh38, chr8:28,463,687, plus strand): 5'-AAGGCTCCGAGGGTCCAGGAAAGAAAAGATGTATAAAGATAACACCCTTGGAAGCTTGGT[T>C]GTAAAGTCCAGGGCTTCTGCTGGAATTTTCTCTTGAAGCTTTCGACAGCAGAACTTTTGC-3'
Protein context (NP_758954.1, residues 79-99): EKIPAEALDF[Thr89=]TKLPRVLSLY

ClinVar aggregate classification (germline): Likely benign (1 of 4 stars; one submission).

gnomAD v4.1: 2 of 1,614,242 alleles (0.00012%); highest among the groups gnomAD compares: Non-Finnish European, 0.00017%; no homozygotes.

Submission:

CeGaT Center for Human Genetics Tuebingen
Classification: Likely benign. Last evaluated: 2026-05-01. Review status: criteria provided, single submitter. Criteria: CeGaT Center For Human Genetics Tuebingen Variant Classification Criteria Version 2. Collection method: clinical testing. Allele origin: germline. Affected: yes. Observed: 2 variant alleles.
Comment: FBXO16: BP4, BP7